The following is an entry in ClinVar:

Conditions:
Breast-ovarian cancer, familial, susceptibility to, 1 (BROVCA1). Also called: BRCA1 Hereditary Breast and Ovarian Cancer; OVARIAN CANCER, SUSCEPTIBILITY TO. Identifiers: Orphanet 145, MedGen C2676676, MONDO:0011450, OMIM 604370. Disease mechanism: loss of function.

Submission:

Brotman Baty Institute, University of Washington
No classification provided (evidence only). Condition: Breast-ovarian cancer, familial 1. Review status: no classification provided. Collection method: in vitro. Allele origin: not applicable. Functional consequence: functionally_normal.
ClinVar note: "not provided" was previously submitted as the classification for the variant. However, the classification appeared to be based only on an observation of functional data so it was converted to no classification on 2025-07-30.

NM_007294.4(BRCA1):c.5296A>C (p.Ile1766Leu)

Gene: BRCA1 (BRCA1 DNA repair associated; minus strand). Cytogenetic location: 17q21.31.
Variant type: single nucleotide variant.
Coding change: c.5296A>C on transcript NM_007294.4 (MANE Select); coding-DNA position 5296, A replaced by C.
Protein change: p.Ile1766Leu; replaces isoleucine 1766 with leucine.
Molecular consequence: missense variant. On other transcripts: non-coding transcript variant (1).
Genome position (GRCh38, 1-based): chr17:43,051,099, T>G on the plus strand (A>C on the coding strand, the complement: BRCA1 is on the minus strand). VCF-style: chr17-43051099-T-G. GRCh37 (hg19) VCF-style: chr17-41203116-T-G.
Other names: c.5083A>C, p.Ile1695Leu (NM_001407910.1, NM_001407894.1, NM_001407895.1 and 12 more transcripts); c.5080A>C, p.Ile1694Leu (NM_001407915.1, NM_001407916.1, NM_001407917.1 and 1 more transcripts); c.5032A>C, p.Ile1678Leu (NM_001407920.1, NM_001407921.1, NM_001407922.1 and 4 more transcripts); c.5293A>C, p.Ile1765Leu (NM_001407616.1, NM_001407617.1, NM_001407618.1 and 17 more transcripts); c.5290A>C, p.Ile1764Leu (NM_001407635.1, NM_001407636.1, NM_001407637.1 and 14 more transcripts); c.5287A>C, p.Ile1763Leu (NM_001407644.1, NM_001407645.1); c.5215A>C, p.Ile1739Leu (NM_001407657.1, NM_001407658.1, NM_001407656.1); c.5212A>C, p.Ile1738Leu (NM_001407659.1, NM_001407660.1, NM_001407661.1 and 2 more transcripts); and 72 more; short protein forms I1787L, I1719L, I1766L, I662L, I1469L, I1470L, I1677L, I1695L.
Identifiers: ClinVar variation 865570 (VCV000865570.3), dbSNP rs886039314, ClinGen allele CA10590957.